The following is an entry in ClinVar:

ClinVar aggregate classification (germline): Uncertain significance (1 of 4 stars; one submission).

Submission:

Labcorp Genetics (formerly Invitae), Labcorp
Classification: Uncertain significance. Last evaluated: 2022-08-23. Review status: criteria provided, single submitter. Criteria: Invitae Variant Classification Sherloc (09022015). Collection method: clinical testing. Allele origin: germline.
Comment: In summary, the available evidence is currently insufficient to determine the role of this variant in disease. Therefore, it has been classified as a Variant of Uncertain Significance. Experimental studies and prediction algorithms are not available or were not evaluated, and the functional significance of this variant is currently unknown. ClinVar contains an entry for this variant (Variation ID: 1461361). This variant has not been reported in the literature in individuals affected with LIFR-related conditions. This variant is not present in population databases (gnomAD no frequency). This variant, c.607_621del, results in the deletion of 5 amino acid(s) of the LIFR protein (p.Trp203_Ser207del), but otherwise preserves the integrity of the reading frame.

NM_001127671.2(LIFR):c.607_621del (p.Trp203_Ser207del)

Gene: LIFR (LIF receptor subunit alpha; minus strand). Cytogenetic location: 5p13.1.
Variant type: Deletion.
Coding change: c.607_621del on transcript NM_001127671.2 (MANE Select); coding-DNA positions 607 to 621, 15 bases deleted (TGGAGTTGGGCCTCA).
Protein change: p.Trp203_Ser207del.
Molecular consequence: inframe deletion.
Genome position (GRCh38, 1-based): chr5:38,511,905-38,511,919, TGAGGCCCAACTCCA deleted on the plus strand (TGGAGTTGGGCCTCA on the coding strand, the reverse complement: LIFR is on the minus strand). VCF-style (leftmost placement, unchanged base first): chr5-38511904-CTGAGGCCCAACTCCA-C. GRCh37 (hg19) VCF-style: chr5-38512006-CTGAGGCCCAACTCCA-C.
Other names: c.607_621del, p.Trp203_Ser207del (NM_001364297.2, NM_001364298.2, NM_002310.6).
Identifiers: ClinVar variation 1461361 (VCV001461361.8), dbSNP rs2112498961, ClinGen allele CA2573139667.